The following is an entry in ClinVar:

NM_015627.3(LDLRAP1):c.567_570del (p.Gly190fs)

Gene: LDLRAP1 (low density lipoprotein receptor adaptor protein 1; plus strand). Cytogenetic location: 1p36.11.
Variant type: Microsatellite.
Coding change: c.567_570del on transcript NM_015627.3 (MANE Select); coding-DNA positions 567 to 570, 4 bases deleted (AGGG; older notation c.567_570delAGGG).
Protein change: p.Gly190fs; shifts the reading frame from glycine 190.
Molecular consequence: frameshift variant.
Genome position (GRCh38, 1-based): chr1:25,563,104-25,563,107, AGGG deleted; deleting any 4 consecutive bases within chr1:25,563,099-25,563,107 gives the same sequence; the c. name uses the placement nearest the transcript's 3' end. VCF-style (leftmost placement, unchanged base first): chr1-25563098-AGAGG-A. GRCh37 (hg19) VCF-style: chr1-25889589-AGAGG-A.
Other names: short protein forms G190fs.
Identifiers: ClinVar variation 2698048 (VCV002698048.3), dbSNP rs2524109142, ClinGen allele CA2697552271.

ClinVar aggregate classification (germline): Pathogenic (1 of 4 stars; one submission).

Conditions:
Hypercholesterolemia, familial, 4 (FHCL4). Also called: HYPERCHOLESTEROLEMIA, AUTOSOMAL RECESSIVE, 1; HYPERCHOLESTEROLEMIA, AUTOSOMAL RECESSIVE, 2. Identifiers: Orphanet 391665, MedGen C1863512, MONDO:0011374, OMIM 603813.

Submission:

Labcorp Genetics (formerly Invitae), Labcorp
Classification: Pathogenic for Hypercholesterolemia, familial, 4. Last evaluated: 2023-11-29. Review status: criteria provided, single submitter. Criteria: Invitae Variant Classification Sherloc (09022015). Collection method: clinical testing. Allele origin: germline.
Comment: This sequence change creates a premature translational stop signal (p.Gly190Thrfs*13) in the LDLRAP1 gene. It is expected to result in an absent or disrupted protein product. Loss-of-function variants in LDLRAP1 are known to be pathogenic (PMID: 11326085, 12464675). This variant is not present in population databases (gnomAD no frequency). This variant has not been reported in the literature in individuals affected with LDLRAP1-related conditions. For these reasons, this variant has been classified as Pathogenic.

Literature cited by the submitters: PubMed 11326085; PubMed 12464675.